The following is an entry in ClinVar:

ClinVar aggregate classification (germline): Uncertain significance (1 of 4 stars; one submission).

Conditions:
Atrioventricular septal defect 4 (AVSD4). Identifiers: MedGen C3280781, MONDO:0013747, OMIM 614430.

Submission:

Labcorp Genetics (formerly Invitae), Labcorp
Classification: Uncertain significance for Atrioventricular septal defect 4. Last evaluated: 2019-03-14. Review status: criteria provided, single submitter. Criteria: Invitae Variant Classification Sherloc (09022015). Collection method: clinical testing. Allele origin: germline.
Comment: This variant results in a copy number gain of the genomic region encompassing the full coding sequence of the GATA4 gene. The boundaries of this event are unknown as they extend beyond the assayed region for this gene and therefore may encompass additional genes. As the precise location of this event is unknown, it may be in tandem or it may be located elsewhere in the genome. Isolated whole-gene copy number gains of GATA4 have not been reported in the literature in individuals with GATA4-related conditions. However, larger copy number events that include this gene have been reported (PMID: 19353638, 21933911, 22318994, 24127225, 25205790, 25516202). In summary, the available evidence is currently insufficient to determine the role of this variant in disease. Therefore, it has been classified as a Variant of Uncertain Significance.

Literature cited by the submitters: PubMed 25205790; PubMed 22318994; PubMed 25516202; PubMed 21933911; PubMed 24127225; PubMed 19353638.

NC_000008.11:g.(?_11708303)_(11758594_?)dup

Gene: GATA4 (GATA binding protein 4). Cytogenetic location: 8p23.1.
Variant type: Duplication.
Identifiers: ClinVar variation 832178 (VCV000832178.1).